The following is an entry in ClinVar:

ClinVar aggregate classification (germline): Pathogenic/Likely pathogenic. Review status: criteria provided, multiple submitters, no conflicts (2 of 4 stars). 4 submissions from 4 submitters: Pathogenic (3); Likely pathogenic (1). Last evaluated 2025-08-07.

Conditions:
Hereditary cancer-predisposing syndrome. Also called: Tumor predisposition; Hereditary neoplastic syndrome; Neoplastic Syndromes, Hereditary; Hereditary Cancer Syndrome. Identifiers: Orphanet 140162, MedGen C0027672, MeSH D009386, MONDO:0015356.
Familial cancer of breast. Also called: Hereditary breast cancer; BREAST CANCER, FAMILIAL; hereditary breast carcinoma. Identifiers: Orphanet 227535, MedGen C0346153, MONDO:0016419, OMIM 114480. Disease mechanism: loss of function.

Submissions (4):

Ambry Genetics
Classification: Pathogenic for Hereditary cancer-predisposing syndrome. Last evaluated: 2025-08-07. Review status: criteria provided, single submitter. Criteria: Ambry Variant Classification Scheme 2023. Collection method: clinical testing. Allele origin: germline.
Comment: The c.179dupT pathogenic mutation, located in coding exon 1 of the CHEK2 gene, results from a duplication of T at nucleotide position 179, causing a translational frameshift with a predicted alternate stop codon (p.S61Efs*16). This variant is considered to be rare based on population cohorts in the Genome Aggregation Database (gnomAD). This alteration is expected to result in loss of function by premature protein truncation or nonsense-mediated mRNA decay. As such, this alteration is interpreted as a disease-causing mutation.

Labcorp Genetics (formerly Invitae), Labcorp
Classification: Pathogenic for Familial cancer of breast. Last evaluated: 2024-01-26. Review status: criteria provided, single submitter. Criteria: Invitae Variant Classification Sherloc (09022015). Collection method: clinical testing. Allele origin: germline.
Comment: This sequence change creates a premature translational stop signal (p.Ser61Glufs*16) in the CHEK2 gene. It is expected to result in an absent or disrupted protein product. Loss-of-function variants in CHEK2 are known to be pathogenic (PMID: 21876083, 24713400). This variant is not present in population databases (gnomAD no frequency). This variant has not been reported in the literature in individuals affected with CHEK2-related conditions. ClinVar contains an entry for this variant (Variation ID: 2583534). For these reasons, this variant has been classified as Pathogenic.

Quest Diagnostics Nichols Institute San Juan Capistrano
Classification: Likely pathogenic. Last evaluated: 2023-07-21. Review status: criteria provided, single submitter. Criteria: Quest Diagnostics criteria. Collection method: clinical testing. Allele origin: unknown.
Comment: The CHEK2 c.179dup (p.Ser61Glufs*16) variant alters the translational reading frame of the CHEK2 mRNA and is predicted to cause the premature termination of CHEK2 protein synthesis. This variant has not been reported in individuals with CHEK2-related conditions in the published literature. This variant has not been reported in large, multi-ethnic general populations (Genome Aggregation Database). Based on the available information, this variant is classified as likely pathogenic.

Myriad Genetics, Inc.
Classification: Pathogenic for Familial cancer of breast. Last evaluated: 2023-06-22. Review status: criteria provided, single submitter. Criteria: Myriad Autosomal Dominant, Autosomal Recessive and X-Linked Classification Criteria (2023). Collection method: clinical testing. Allele origin: unknown.
Comment: This variant is considered pathogenic. This variant creates a frameshift predicted to result in premature protein truncation.

Literature cited by the submitters: PubMed 21876083 (cited by Labcorp Genetics (formerly Invitae), Labcorp); PubMed 24713400 (cited by Labcorp Genetics (formerly Invitae), Labcorp).

NM_007194.4(CHEK2):c.179dup (p.Ser61fs)

Gene: CHEK2 (checkpoint kinase 2; minus strand). Cytogenetic location: 22q12.1.
Variant type: Duplication.
Coding change: c.179dup on transcript NM_007194.4 (MANE Select); coding-DNA position 179, one base duplicated (T; older notation c.179dupT).
Protein change: p.Ser61fs; shifts the reading frame from serine 61.
Molecular consequence: frameshift variant.
Genome position (GRCh38, 1-based): chr22:28,734,543, A duplicated on the plus strand (T on the coding strand, the reverse complement: CHEK2 is on the minus strand). VCF-style (leftmost placement, unchanged base first): chr22-28734542-C-CA. GRCh37 (hg19) VCF-style: chr22-29130530-C-CA.
Other names: c.179dup, p.Ser61Glufs (NM_001005735.3, NM_001349956.3, NM_145862.3); c.-599dup (NM_001257387.3); c.179dupT (NM_007194.3); short protein forms S61fs.
Identifiers: ClinVar variation 2583534 (VCV002583534.7), dbSNP rs2518131054, ClinGen allele CA2582342763.